The following is an entry in ClinVar:

ClinVar aggregate classification (germline): Uncertain significance (1 of 4 stars; one submission).

Submission:

GeneDx
Classification: Uncertain significance. Last evaluated: 2025-08-04. Review status: criteria provided, single submitter. Criteria: GeneDx Variant Classification Process June 2021. Collection method: clinical testing. Allele origin: germline. Affected: yes.
Comment: Not observed at significant frequency in large population cohorts (gnomAD); In silico analysis suggests that this missense variant does not alter protein structure/function; Has not been previously published as pathogenic or benign to our knowledge

NM_003128.3(SPTBN1):c.1984T>A (p.Ser662Thr)

Gene: SPTBN1 (spectrin beta, non-erythrocytic 1; plus strand). Cytogenetic location: 2p16.2.
Variant type: single nucleotide variant.
Coding change: c.1984T>A on transcript NM_003128.3 (MANE Select); coding-DNA position 1984, T replaced by A.
Protein change: p.Ser662Thr; replaces serine 662 with threonine.
Molecular consequence: missense variant.
Genome position (GRCh38, 1-based): chr2:54,629,118, T>A. VCF-style: chr2-54629118-T-A. GRCh37 (hg19) VCF-style: chr2-54856255-T-A.
Other names: c.1945T>A, p.Ser649Thr (NM_178313.3); short protein forms S649T, S662T.
Identifiers: ClinVar variation 4755867 (VCV004755867.1).